The following is an entry in ClinVar:

ClinVar aggregate classification (germline): Pathogenic (1 of 4 stars; one submission).

Conditions:
Hereditary cancer-predisposing syndrome. Also called: Tumor predisposition; Neoplastic Syndromes, Hereditary; Hereditary Cancer Syndrome; Hereditary neoplastic syndrome. Identifiers: Orphanet 140162, MedGen C0027672, MeSH D009386, MONDO:0015356.

Submission:

Ambry Genetics
Classification: Pathogenic for Hereditary cancer-predisposing syndrome. Last evaluated: 2024-12-30. Review status: criteria provided, single submitter. Criteria: Ambry Variant Classification Scheme 2023. Collection method: clinical testing. Allele origin: germline.
Comment: The p.Q459* pathogenic mutation (also known as c.1375C>T), located in coding exon 13 of the NF2 gene, results from a C to T substitution at nucleotide position 1375. This changes the amino acid from a glutamine to a stop codon within coding exon 13. This variant was reported in individual(s) with features consistent with NF2-related schwannomatosis; in at least one individual, it was determined to be mosaic (Wallace AJ et al. Genet Test, 2004;8:368-80; Aghi M et al. J Neurosurg, 2006 Feb;104:201-7; Godel T et al. Ann Neurol, 2018 Apr;83:854-857). This variant is considered to be rare based on population cohorts in the Genome Aggregation Database (gnomAD). This alteration is expected to result in loss of function by premature protein truncation or nonsense-mediated mRNA decay. As such, this alteration is interpreted as a disease-causing mutation.

Literature cited by the submitters: PubMed 15684865; PubMed 16509493; PubMed 29469988.

NM_000268.4(NF2):c.1375C>T (p.Gln459Ter)

Gene: NF2 (NF2, moesin-ezrin-radixin like (MERLIN) tumor suppressor; plus strand). Cytogenetic location: 22q12.2.
Variant type: single nucleotide variant.
Coding change: c.1375C>T on transcript NM_000268.4 (MANE Select); coding-DNA position 1375, C replaced by T.
Protein change: p.Gln459Ter; replaces glutamine 459 with a stop codon.
Molecular consequence: nonsense. On other transcripts: non-coding transcript variant (1), intron variant (1).
Genome position (GRCh38, 1-based): chr22:29,674,870, C>T. VCF-style: chr22-29674870-C-T. GRCh37 (hg19) VCF-style: chr22-30070859-C-T.
Other names: c.1261C>T, p.Gln421Ter (NM_001407053.1, NM_001407056.1); c.1252C>T, p.Gln418Ter (NM_001407054.1, NM_001407058.1, NM_181829.3); c.1249C>T, p.Gln417Ter (NM_001407055.1, NM_181828.3); c.1240C>T, p.Gln414Ter (NM_001407057.1, NM_001407059.1); c.1375C>T, p.Gln459Ter (NM_001407060.1, NM_001407066.1, NM_016418.5 and 2 more transcripts); c.1117C>T, p.Gln373Ter (NM_001407062.1); c.1126C>T, p.Gln376Ter (NM_001407063.1, NM_001407064.1, NM_181830.3 and 1 more transcripts); c.841C>T, p.Gln281Ter (NM_001407065.1); and 2 more; short protein forms Q382*, Q418*, Q373*, Q376*, Q459*, Q281*, Q414*, Q417*.
Identifiers: ClinVar variation 3879163 (VCV003879163.1).